The following is an entry in ClinVar:

ClinVar aggregate classification (germline): Conflicting classifications of pathogenicity. Review status: criteria provided, conflicting classifications (1 of 4 stars). 3 submissions from 3 submitters: Likely pathogenic (1); Uncertain significance (2). Last evaluated 2024-11-25.

Conditions:
Inborn genetic diseases. Identifiers: MedGen C0950123, MeSH D030342.
Charcot-Marie-Tooth disease axonal type 2C (HMSN2C). Also called: CHARCOT-MARIE-TOOTH DISEASE, AXONAL, AUTOSOMAL DOMINANT, TYPE 2C; Charcot-Marie-Tooth Neuropathy Type 2C; Charcot-Marie-Tooth Disease Type 2, TRPV4-Related (CMT2C). Identifiers: Orphanet 99937, MedGen C1853710, MONDO:0011633, OMIM 606071.

Submissions (3):

GeneDx
Classification: Uncertain significance. Last evaluated: 2024-11-25. Review status: criteria provided, single submitter. Criteria: GeneDx Variant Classification Process June 2021. Collection method: clinical testing. Allele origin: germline. Affected: yes.
Comment: Not observed at significant frequency in large population cohorts (gnomAD); In silico analysis indicates that this missense variant does not alter protein structure/function; Has not been previously published as pathogenic or benign to our knowledge

Labcorp Genetics (formerly Invitae), Labcorp
Classification: Uncertain significance for Charcot-Marie-Tooth disease axonal type 2C. Last evaluated: 2023-08-07. Review status: criteria provided, single submitter. Criteria: Invitae Variant Classification Sherloc (09022015). Collection method: clinical testing. Allele origin: germline.
Comment: This sequence change replaces tyrosine, which is neutral and polar, with serine, which is neutral and polar, at codon 281 of the TRPV4 protein (p.Tyr281Ser). This variant is not present in population databases (gnomAD no frequency). This variant has not been reported in the literature in individuals affected with TRPV4-related conditions. ClinVar contains an entry for this variant (Variation ID: 521788). Advanced modeling of protein sequence and biophysical properties (such as structural, functional, and spatial information, amino acid conservation, physicochemical variation, residue mobility, and thermodynamic stability) has been performed at Invitae for this missense variant, however the output from this modeling did not meet the statistical confidence thresholds required to predict the impact of this variant on TRPV4 protein function. In summary, the available evidence is currently insufficient to determine the role of this variant in disease. Therefore, it has been classified as a Variant of Uncertain Significance.

Ambry Genetics
Classification: Likely pathogenic for Inborn genetic diseases. Last evaluated: 2017-05-26. Review status: criteria provided, single submitter. Criteria: Ambry exome assertion method (8-5-2015). Collection method: clinical testing. Allele origin: germline. Affected: yes. Observed: 1 variant allele.

NM_021625.5(TRPV4):c.842A>C (p.Tyr281Ser)

Gene: TRPV4 (transient receptor potential cation channel subfamily V member 4; minus strand). Cytogenetic location: 12q24.11.
Variant type: single nucleotide variant.
Coding change: c.842A>C on transcript NM_021625.5 (MANE Select); coding-DNA position 842, A replaced by C.
Protein change: p.Tyr281Ser; replaces tyrosine 281 with serine.
Molecular consequence: missense variant. On other transcripts: intron variant (2).
Genome position (GRCh38, 1-based): chr12:109,800,629, T>G on the plus strand (A>C on the coding strand, the complement: TRPV4 is on the minus strand). VCF-style: chr12-109800629-T-G. GRCh37 (hg19) VCF-style: chr12-110238434-T-G.
Other names: c.842A>C, p.Tyr281Ser (NM_147204.3); c.713-1717A>C (NM_001177433.1, NM_001177428.1); c.740A>C, p.Tyr247Ser (NM_001177431.2); short protein forms Y281S, Y247S.
Identifiers: ClinVar variation 521788 (VCV000521788.8), dbSNP rs1555208063, ClinGen allele CA386655250.